The following is an entry in ClinVar:

NM_002076.4(GNS):c.1147G>A (p.Gly383Ser)

Gene: GNS (glucosamine (N-acetyl)-6-sulfatase; minus strand). Cytogenetic location: 12q14.3.
Variant type: single nucleotide variant.
Coding change: c.1147G>A on transcript NM_002076.4 (MANE Select); coding-DNA position 1147, G replaced by A.
Protein change: p.Gly383Ser; replaces glycine 383 with serine.
Molecular consequence: missense variant.
Genome position (GRCh38, 1-based): chr12:64,729,009, C>T on the plus strand (G>A on the coding strand, the complement: GNS is on the minus strand). VCF-style: chr12-64729009-C-T. GRCh37 (hg19) VCF-style: chr12-65122789-C-T.
Other names: short protein forms G383S.
Identifiers: ClinVar variation 1008594 (VCV001008594.3), dbSNP rs756633427, ClinGen allele CA6669742.

ClinVar aggregate classification (germline): Uncertain significance. Review status: criteria provided, single submitter (1 of 4 stars). 2 submissions from 2 submitters: Uncertain significance (1). 1 of the submissions does not count toward it. Last evaluated 2022-01-14.

Conditions:
Sanfilippo syndrome. Also called: Mucopolysaccharidosis type 3; Sanfilippo disease; Mucopolysaccharidosis Type III. Identifiers: Orphanet 581, MedGen C0026706, MONDO:0018937.
Mucopolysaccharidosis, MPS-III-D (MPS3D). Also called: MPS IIID (Sanfilippo Syndrome Type D); N-ACETYLGLUCOSAMINE-6-SULFATASE DEFICIENCY; MUCOPOLYSACCHARIDOSIS, TYPE IIID; SANFILIPPO SYNDROME D; MPS III D; Mucopoly-saccharidosis type 3D. Identifiers: Orphanet 581, Orphanet 79272, MedGen C0086650, MONDO:0009658, OMIM 252940.

Allele frequency attached by ClinVar (database versions not stated): gnomAD 0.00001; TOPMed 0.00001; gnomAD exomes below 0.00001; ExAC 0.00001.

Submissions (2):

Labcorp Genetics (formerly Invitae), Labcorp
Classification: Uncertain significance for Mucopolysaccharidosis, MPS-III-D. Last evaluated: 2022-01-14. Review status: criteria provided, single submitter. Criteria: Invitae Variant Classification Sherloc (09022015). Collection method: clinical testing. Allele origin: germline.
Comment: This sequence change replaces glycine, which is neutral and non-polar, with serine, which is neutral and polar, at codon 383 of the GNS protein (p.Gly383Ser). This variant is present in population databases (rs756633427, gnomAD 0.0009%). This variant has not been reported in the literature in individuals affected with GNS-related conditions. ClinVar contains an entry for this variant (Variation ID: 1008594). Algorithms developed to predict the effect of missense changes on protein structure and function are either unavailable or do not agree on the potential impact of this missense change (SIFT: "Tolerated"; PolyPhen-2: "Possibly Damaging"; Align-GVGD: "Class C0"). Algorithms developed to predict the effect of sequence changes on RNA splicing suggest that this variant may create or strengthen a splice site. In summary, the available evidence is currently insufficient to determine the role of this variant in disease. Therefore, it has been classified as a Variant of Uncertain Significance.

Natera, Inc.
Classification: Uncertain significance for Sanfilippo disease. Last evaluated: 2021-03-19. Review status: no assertion criteria provided. Collection method: clinical testing. Allele origin: germline. Not counted in ClinVar's aggregate classification.